The following is an entry in ClinVar:

ClinVar aggregate classification (germline): Uncertain significance (0 of 4 stars; one submission).

Conditions:
IARS1-related disorder. Also called: IARS1-related condition.

gnomAD v4.1: 11 of 1,608,528 alleles (0.00068%); highest among the groups gnomAD compares: Non-Finnish European, 0.00093%; no homozygotes.

Submissions (2):

PreventionGenetics, part of Exact Sciences
Classification: Uncertain significance for IARS1-related condition. Last evaluated: 2024-09-23. Review status: no assertion criteria provided. Collection method: clinical testing. Allele origin: germline.
Comment: The IARS1 c.1305G>C variant is predicted to result in the amino acid substitution p.Trp435Cys. This variant was reported to be compound heterozygous with a frameshift variant in two individuals with pulmonary alveolar proteinosis, interstitial lung disease, failure to thrive, and liver dysfunction (Theunissen et al. 2018. PubMed ID: 30369941; Table S1, Fuchs et al. 2019. PubMed ID: 29875423). Functional studies in patient-derived fibroblasts showed decreased aminoacylation activities (Kok et al. 2021. PubMed ID: 34194004). This variant is reported in 0.0018% of alleles in individuals of European (Non-Finnish) descent in gnomAD. Although we suspect that this variant may be pathogenic, at this time, the clinical significance of this variant is uncertain due to the absence of conclusive functional and genetic evidence.

Dr. Peter K. Rogan Lab, Western University
No classification provided (evidence only). Condition: Thyroid cancer, nonmedullary, 1. Review status: no classification provided. Collection method: in vitro. Allele origin: not applicable. Functional consequence: retained intron. Not counted in ClinVar's aggregate classification.

NM_002161.6(IARS1):c.1305G>C (p.Trp435Cys)

Gene: IARS1 (isoleucyl-tRNA synthetase 1; minus strand). Cytogenetic location: 9q22.31.
Variant type: single nucleotide variant.
Coding change: c.1305G>C on transcript NM_002161.6 (MANE Select); coding-DNA position 1305, G replaced by C.
Protein change: p.Trp435Cys; replaces tryptophan 435 with cysteine.
Molecular consequence: missense variant. On other transcripts: non-coding transcript variant (1).
Genome position (GRCh38, 1-based): chr9:92,268,300, C>G on the plus strand (G>C on the coding strand, the complement: IARS1 is on the minus strand). VCF-style: chr9-92268300-C-G. GRCh37 (hg19) VCF-style: chr9-95030582-C-G.
Other names: NC_000009.11:g.95030582C>G; c.1305G>C, p.Trp435Cys (NM_013417.4, NM_001374299.1, NM_001374300.1 and 14 more transcripts); c.1368G>C, p.Trp456Cys (NM_001378569.1); c.1326G>C, p.Trp442Cys (NM_001378571.1); c.1182G>C, p.Trp394Cys (NM_001378583.1); short protein forms W394C, W435C, W442C, W456C.
Identifiers: ClinVar variation 3354938 (VCV003354938.2).
Genomic context (GRCh38, chr9:92,268,300, plus strand): 5'-CCAGTCACGTGCATCTTTCAGCCAATTTCCAAATCGTTTTTCTCGTACCAACTCTGGGAC[C>G]CTGCAATAAACAGATCACATAACCAATCACATAAAAATATGGAAAAATTCAACATGTAAA-3'
Protein context (NP_002152.2, residues 425-445): QLLRNNDLCY[Trp435Cys]VPELVREKRF